The following is an entry in ClinVar:

NM_003041.4(SLC5A2):c.197C>T (p.Pro66Leu)

Gene: SLC5A2 (solute carrier family 5 member 2; plus strand). Cytogenetic location: 16p11.2.
Variant type: single nucleotide variant.
Coding change: c.197C>T on transcript NM_003041.4 (MANE Select); coding-DNA position 197, C replaced by T.
Protein change: p.Pro66Leu; replaces proline 66 with leucine.
Molecular consequence: missense variant. On other transcripts: non-coding transcript variant (1).
Genome position (GRCh38, 1-based): chr16:31,484,743, C>T. VCF-style: chr16-31484743-C-T. GRCh37 (hg19) VCF-style: chr16-31496064-C-T.
Other names: short protein forms P66L.
Identifiers: ClinVar variation 3061899 (VCV003061899.1), dbSNP rs746746841, ClinGen allele CA8030626.

ClinVar aggregate classification (germline): Uncertain significance (1 of 4 stars; one submission).

Conditions:
Familial renal glucosuria (GLYS). Also called: RENAL GLUCOSURIA, AUTOSOMAL DOMINANT; Familial renal glycosuria. Identifiers: Orphanet 69076, MedGen C3245525, MONDO:0009297, OMIM 233100.

gnomAD v4.1: 18 of 1,610,408 alleles (0.0011%); highest among the groups gnomAD compares: African/African-American, 0.0027%; no homozygotes.

Submission:

MVZ Medizinische Genetik Mainz
Classification: Uncertain significance for Familial renal glucosuria. Last evaluated: 2021-11-08. Review status: criteria provided, single submitter. Criteria: UK Practice Guidelines For Variant Classification V4 01 2020. Collection method: clinical testing. Allele origin: germline. Inheritance: Autosomal dominant inheritance. Affected: yes. Observed: 1 variant allele.
Comment: PM2_SUP, PP3, PP4